The following is an entry in ClinVar:

NM_005120.3(MED12):c.2905C>T (p.Arg969Cys)

Gene: MED12 (mediator complex subunit 12; plus strand). Cytogenetic location: Xq13.1.
Variant type: single nucleotide variant.
Coding change: c.2905C>T on transcript NM_005120.3 (MANE Select); coding-DNA position 2905, C replaced by T.
Protein change: p.Arg969Cys; replaces arginine 969 with cysteine.
Molecular consequence: missense variant.
Genome position (GRCh38, 1-based): chrX:71,127,391, C>T. VCF-style: chrX-71127391-C-T. GRCh37 (hg19) VCF-style: chrX-70347241-C-T.
Other names: short protein forms R969C.
Identifiers: ClinVar variation 1797498 (VCV001797498.6), dbSNP rs2519686197, ClinGen allele CA413516518.

ClinVar aggregate classification (germline): Uncertain significance. Review status: criteria provided, multiple submitters, no conflicts (2 of 4 stars). 3 submissions from 3 submitters: Uncertain significance (3). Last evaluated 2025-06-09.

Conditions:
FG syndrome (FGS). Identifiers: MedGen C0220769, MONDO:0002010.
Familial thoracic aortic aneurysm and aortic dissection (TAAD). Also called: Thoracic aortic aneurysms and dissections. Identifiers: Orphanet 91387, MedGen C4707243, MONDO:0019625.

Submissions (3):

Labcorp Genetics (formerly Invitae), Labcorp
Classification: Uncertain significance for FG syndrome. Last evaluated: 2025-06-09. Review status: criteria provided, single submitter. Criteria: Invitae Variant Classification Sherloc (09022015). Collection method: clinical testing. Allele origin: germline.
Comment: This sequence change replaces arginine, which is basic and polar, with cysteine, which is neutral and slightly polar, at codon 969 of the MED12 protein (p.Arg969Cys). This variant is not present in population databases (gnomAD no frequency). This variant has not been reported in the literature in individuals affected with MED12-related conditions. ClinVar contains an entry for this variant (Variation ID: 1797498). Invitae Evidence Modeling of protein sequence and biophysical properties (such as structural, functional, and spatial information, amino acid conservation, physicochemical variation, residue mobility, and thermodynamic stability) indicates that this missense variant is expected to disrupt MED12 protein function with a positive predictive value of 95%. In summary, the available evidence is currently insufficient to determine the role of this variant in disease. Therefore, it has been classified as a Variant of Uncertain Significance.

GeneDx
Classification: Uncertain significance. Last evaluated: 2025-03-17. Review status: criteria provided, single submitter. Criteria: GeneDx Variant Classification Process June 2021. Collection method: clinical testing. Allele origin: germline. Affected: yes.
Comment: Not observed at significant frequency in large population cohorts (gnomAD); In silico analysis supports that this missense variant has a deleterious effect on protein structure/function; Has not been previously published as pathogenic or benign to our knowledge

Ambry Genetics
Classification: Uncertain significance for Familial thoracic aortic aneurysm and aortic dissection. Last evaluated: 2018-05-11. Review status: criteria provided, single submitter. Criteria: Ambry Variant Classification Scheme 2023. Collection method: clinical testing. Allele origin: germline.
Comment: The p.R969C variant (also known as c.2905C>T), located in coding exon 21 of the MED12 gene, results from a C to T substitution at nucleotide position 2905. The arginine at codon 969 is replaced by cysteine, an amino acid with highly dissimilar properties. This amino acid position is highly conserved in available vertebrate species. In addition, this alteration is predicted to be deleterious by in silico analysis. Since supporting evidence is limited at this time, the clinical significance of this alteration remains unclear.